The following is an entry in ClinVar:

NM_001282531.3(ADNP):c.2132G>T (p.Ser711Ile)

Gene: ADNP (activity dependent neuroprotector homeobox; minus strand). Cytogenetic location: 20q13.13.
Variant type: single nucleotide variant.
Coding change: c.2132G>T on transcript NM_001282531.3 (MANE Select); coding-DNA position 2132, G replaced by T.
Protein change: p.Ser711Ile; replaces serine 711 with isoleucine.
Molecular consequence: missense variant.
Genome position (GRCh38, 1-based): chr20:50,892,582, C>A on the plus strand (G>T on the coding strand, the complement: ADNP is on the minus strand). VCF-style: chr20-50892582-C-A. GRCh37 (hg19) VCF-style: chr20-49509119-C-A.
Other names: c.2132G>T, p.Ser711Ile (NM_001282532.2, NM_001347511.2, NM_015339.5 and 1 more transcripts); short protein forms S711I.
Identifiers: ClinVar variation 1707860 (VCV001707860.3), dbSNP rs769588143, ClinGen allele CA9908644.

ClinVar aggregate classification (germline): Uncertain significance. Review status: criteria provided, multiple submitters, no conflicts (2 of 4 stars). 2 submissions from 2 submitters: Uncertain significance (2). Last evaluated 2023-05-08.

Allele frequency attached by ClinVar (database versions not stated): ExAC 0.00001.
gnomAD v4.1: 2 of 1,614,204 alleles (0.00012%); highest among the groups gnomAD compares: Non-Finnish European, 0.00017%; no homozygotes.

Submissions (2):

Blueprint Genetics
Classification: Uncertain significance. Last evaluated: 2023-05-08. Review status: criteria provided, single submitter. Criteria: ACMG Guidelines, 2015. Collection method: clinical testing. Allele origin: germline.

GeneDx
Classification: Uncertain significance. Last evaluated: 2022-03-28. Review status: criteria provided, single submitter. Criteria: GeneDx Variant Classification Process June 2021. Collection method: clinical testing. Allele origin: germline. Affected: yes.
Comment: In silico analysis supports that this missense variant does not alter protein structure/function; Has not been previously published as pathogenic or benign to our knowledge